The following is an entry in ClinVar:

NM_015215.4(CAMTA1):c.2227G>A (p.Gly743Arg)

Gene: CAMTA1 (calmodulin binding transcription activator 1; plus strand). Cytogenetic location: 1p36.23.
Variant type: single nucleotide variant.
Coding change: c.2227G>A on transcript NM_015215.4 (MANE Select); coding-DNA position 2227, G replaced by A.
Protein change: p.Gly743Arg; replaces glycine 743 with arginine.
Molecular consequence: missense variant.
Genome position (GRCh38, 1-based): chr1:7,664,774, G>A. VCF-style: chr1-7664774-G-A. GRCh37 (hg19) VCF-style: chr1-7724834-G-A.
Other names: c.2137G>A, p.Gly713Arg (NM_001349608.2, NM_001349612.2); c.2227G>A, p.Gly743Arg (NM_001349609.2, NM_001349610.2); short protein forms G713R, G743R.
Identifiers: ClinVar variation 930871 (VCV000930871.8), dbSNP rs965685976, ClinGen allele CA17245405.

ClinVar aggregate classification (germline): Uncertain significance. Review status: criteria provided, multiple submitters, no conflicts (2 of 4 stars). 2 submissions from 2 submitters: Uncertain significance (2). Last evaluated 2024-05-15.

Conditions:
Cerebellar dysfunction with variable cognitive and behavioral abnormalities (CECBA). Also called: Nonprogressive cerebellar atxia with intellectual disability. Identifiers: Orphanet 314647, MedGen C3553661, MONDO:0013886, OMIM 614756.

Allele frequency attached by ClinVar (database versions not stated): gnomAD exomes 0.00001; TOPMed 0.00001.
gnomAD v4.1: 14 of 1,611,492 alleles (0.00087%); highest among the groups gnomAD compares: Non-Finnish European, 0.0012%; no homozygotes.

Submissions (2):

Labcorp Genetics (formerly Invitae), Labcorp
Classification: Uncertain significance. Last evaluated: 2024-05-15. Review status: criteria provided, single submitter. Criteria: Invitae Variant Classification Sherloc (09022015). Collection method: clinical testing. Allele origin: germline.
Comment: This sequence change replaces glycine, which is neutral and non-polar, with arginine, which is basic and polar, at codon 743 of the CAMTA1 protein (p.Gly743Arg). This variant is present in population databases (no rsID available, gnomAD 0.003%). This variant has not been reported in the literature in individuals affected with CAMTA1-related conditions. ClinVar contains an entry for this variant (Variation ID: 930871). An algorithm developed to predict the effect of missense changes on protein structure and function (PolyPhen-2) suggests that this variant is likely to be disruptive. In summary, the available evidence is currently insufficient to determine the role of this variant in disease. Therefore, it has been classified as a Variant of Uncertain Significance.

Centre for Mendelian Genomics, University Medical Centre Ljubljana
Classification: Uncertain significance for Cerebellar dysfunction with variable cognitive and behavioral abnormalities. Last evaluated: 2020-03-09. Review status: criteria provided, single submitter. Criteria: ACMG Guidelines, 2015. Collection method: clinical testing. Allele origin: unknown. Affected: yes.
Comment: This variant was classified as: Uncertain significance. The available evidence on this variant's pathogenicity is insufficient or conflicting. The following ACMG criteria were applied in classifying this variant: PP3.